The following is an entry in ClinVar:

NM_177438.3(DICER1):c.145-15del

Gene: DICER1 (dicer 1, ribonuclease III; minus strand). Cytogenetic location: 14q32.13.
Variant type: Deletion.
Coding change: c.145-15del on transcript NM_177438.3 (MANE Select); 15 bases into the intron before coding-DNA position 145, one base deleted (T; older notation c.145-15delT).
Molecular consequence: intron variant.
Genome position (GRCh38, 1-based): chr14:95,132,692, A deleted on the plus strand (T on the coding strand, the reverse complement: DICER1 is on the minus strand); the first of 8 consecutive A bases (chr14:95,132,692-95,132,699); deleting any one gives the same sequence. VCF-style (leftmost placement, unchanged base first): chr14-95132691-GA-G. GRCh37 (hg19) VCF-style: chr14-95599028-GA-G.
Other names: c.145-15del (NM_001291628.2, NM_030621.4, NM_001395677.1 and 14 more transcripts); c.-130-15del (NM_001395690.1, NM_001395687.1, NM_001395689.1 and 4 more transcripts); c.-314-15del (NM_001395691.1); c.-1424-15del (NM_001395697.1).
Identifiers: ClinVar variation 1956419 (VCV001956419.6), dbSNP rs558991368, ClinGen allele CA2156320401.

ClinVar aggregate classification (germline): Benign. Review status: criteria provided, multiple submitters, no conflicts (2 of 4 stars). 2 submissions from 2 submitters: Benign (2). Last evaluated 2026-04-14.

Conditions:
DICER1-related tumor predisposition. Also called: DICER1 syndrome; DICER1-related pleuropulmonary blastoma cancer predisposition syndrome. Identifiers: Orphanet 284343, MedGen C3839822, MONDO:0100216.

Submissions (2):

Myriad Genetics, Inc.
Classification: Benign for DICER1-related tumor predisposition. Last evaluated: 2026-04-14. Review status: criteria provided, single submitter. Criteria: Myriad Autosomal Dominant, Autosomal Recessive and X-Linked Classification Criteria (2023). Collection method: clinical testing. Allele origin: unknown.
Comment: This variant is considered benign. This variant is intronic and is not expected to impact mRNA splicing.

Labcorp Genetics (formerly Invitae), Labcorp
Classification: Benign for DICER1-related tumor predisposition. Last evaluated: 2022-09-13. Review status: criteria provided, single submitter. Criteria: Invitae Variant Classification Sherloc (09022015). Collection method: clinical testing. Allele origin: germline.